The following is an entry in ClinVar:

NM_133261.3(GIPC3):c.319C>G (p.Arg107Gly)

Gene: GIPC3 (GIPC PDZ domain containing family member 3; plus strand). Cytogenetic location: 19p13.3.
Variant type: single nucleotide variant.
Coding change: c.319C>G on transcript NM_133261.3 (MANE Select); coding-DNA position 319, C replaced by G.
Protein change: p.Arg107Gly; replaces arginine 107 with glycine.
Molecular consequence: missense variant.
Genome position (GRCh38, 1-based): chr19:3,586,588, C>G. VCF-style: chr19-3586588-C-G. GRCh37 (hg19) VCF-style: chr19-3586586-C-G.
Other names: short protein forms R107G.
Identifiers: ClinVar variation 1065098 (VCV001065098.3), dbSNP rs138707041, ClinGen allele CA403361381.

ClinVar aggregate classification (germline): Uncertain significance (1 of 4 stars; one submission).

Conditions:
Hearing impairment. Also called: Impaired Hearing. Identifiers: MedGen C1384666, MONDO:0005365, HP:0000365.

Submission:

Department of Otolaryngology – Head & Neck Surgery, Cochlear Implant Center
Classification: Uncertain significance for Hearing impairment. Last evaluated: 2021-04-12. Review status: criteria provided, single submitter. Criteria: ClinGen HL ACMG Specifications v1. Collection method: clinical testing. Allele origin: germline. Affected: yes.
Comment: PM2_Moderate, PP3_Supporting, BP5_Supporting